The following is an entry in ClinVar:

NM_002602.4(PDE6G):c.147-9T>A

Gene: PDE6G (phosphodiesterase 6G; minus strand). Cytogenetic location: 17q25.3.
Variant type: single nucleotide variant.
Coding change: c.147-9T>A on transcript NM_002602.4 (MANE Select); 9 bases into the intron before coding-DNA position 147, T replaced by A.
Molecular consequence: intron variant.
Genome position (GRCh38, 1-based): chr17:81,651,694, A>T on the plus strand (T>A on the coding strand, the complement: PDE6G is on the minus strand). VCF-style: chr17-81651694-A-T. GRCh37 (hg19) VCF-style: chr17-79618724-A-T.
Other names: c.147-9T>A (NM_001365724.1, NM_001365725.1).
Identifiers: ClinVar variation 1005311 (VCV001005311.6), dbSNP rs766494400, ClinGen allele CA8839034.

ClinVar aggregate classification (germline): Uncertain significance (1 of 4 stars; one submission).

Allele frequency attached by ClinVar (database versions not stated): ExAC 0.00001; gnomAD exomes 0.00001 and 0.00003; TOPMed 0.00002.
gnomAD v4.1: 7 of 1,613,968 alleles (0.00043%); highest among the groups gnomAD compares: Admixed American, 0.012%; no homozygotes.

Submission:

Labcorp Genetics (formerly Invitae), Labcorp
Classification: Uncertain significance. Last evaluated: 2022-07-26. Review status: criteria provided, single submitter. Criteria: Invitae Variant Classification Sherloc (09022015). Collection method: clinical testing. Allele origin: germline.
Comment: This sequence change falls in intron 2 of the PDE6G gene. It does not directly change the encoded amino acid sequence of the PDE6G protein. This variant is present in population databases (rs766494400, gnomAD 0.02%). This variant has not been reported in the literature in individuals affected with PDE6G-related conditions. ClinVar contains an entry for this variant (Variation ID: 1005311). Algorithms developed to predict the effect of sequence changes on RNA splicing suggest that this variant may create or strengthen a splice site. In summary, the available evidence is currently insufficient to determine the role of this variant in disease. Therefore, it has been classified as a Variant of Uncertain Significance.